The following is an entry in ClinVar:

NM_001754.5(RUNX1):c.196G>T (p.Ala66Ser)

Gene: RUNX1 (RUNX family transcription factor 1; minus strand). Cytogenetic location: 21q22.12.
Variant type: single nucleotide variant.
Coding change: c.196G>T on transcript NM_001754.5 (MANE Select); coding-DNA position 196, G replaced by T.
Protein change: p.Ala66Ser; replaces alanine 66 with serine.
Molecular consequence: missense variant.
Genome position (GRCh38, 1-based): chr21:34,886,998, C>A on the plus strand (G>T on the coding strand, the complement: RUNX1 is on the minus strand). VCF-style: chr21-34886998-C-A. GRCh37 (hg19) VCF-style: chr21-36259295-C-A.
Other names: c.115G>T, p.Ala39Ser (NM_001001890.3, NM_001122607.2); short protein forms A66S, A39S.
Identifiers: ClinVar variation 5028566 (VCV005028566.1).

ClinVar aggregate classification (germline): Uncertain significance (1 of 4 stars; one submission).

Conditions:
Inborn genetic diseases. Identifiers: MedGen C0950123, MeSH D030342.

Submission:

Ambry Genetics
Classification: Uncertain significance for Inborn genetic diseases. Last evaluated: 2026-07-02. Review status: criteria provided, single submitter. Criteria: Ambry Variant Classification Scheme 2023. Collection method: clinical testing. Allele origin: germline.
Comment: The p.A66S variant (also known as c.196G>T), located in coding exon 3 of the RUNX1 gene, results from a G to T substitution at nucleotide position 196. The alanine at codon 66 is replaced by serine, an amino acid with similar properties. This amino acid position is conserved. In addition, the in silico prediction for this alteration is inconclusive. Based on the available evidence, the clinical significance of this variant remains unclear.